The following is an entry in ClinVar:

ClinVar aggregate classification (germline): Uncertain significance (1 of 4 stars; one submission).

Conditions:
Combined immunodeficiency due to LRBA deficiency. Also called: Common variable immunodeficiency 8, with autoimmunity. Identifiers: Orphanet 445018, MedGen C3553512, MONDO:0013863, OMIM 614700.

Submission:

Labcorp Genetics (formerly Invitae), Labcorp
Classification: Uncertain significance for Combined immunodeficiency due to LRBA deficiency. Last evaluated: 2018-10-22. Review status: criteria provided, single submitter. Criteria: Invitae Variant Classification Sherloc (09022015). Collection method: clinical testing. Allele origin: germline.
Comment: This variant is an in-frame deletion of the genomic region encompassing exons exons 36 and 37 of the LRBA gene. It preserves the integrity of the reading frame. This variant has not been reported in the literature in individuals with LRBA-related disease. In summary, the available evidence is currently insufficient to determine the role of this variant in disease. Therefore, it has been classified as a Variant of Uncertain Significance. Experimental studies and prediction algorithms are not available for this variant, and the functional significance of the affected amino acid(s) is currently unknown.

NC_000004.12:g.(?_150683531)_(150735386_?)del

Genes: LRBA (LPS responsive beige-like anchor protein; minus strand), LOC123493218 (Sharpr-MPRA regulatory region 7547; plus strand). Cytogenetic location: 4q31.3.
Variant type: Deletion.
Identifiers: ClinVar variation 658996 (VCV000658996.4).